The following is an entry in ClinVar:

ClinVar aggregate classification (germline): Uncertain significance (1 of 4 stars; one submission).

Conditions:
EGFR-related lung cancer (EGFR). Identifiers: MedGen CN130014.

Submission:

Labcorp Genetics (formerly Invitae), Labcorp
Classification: Uncertain significance for EGFR-related lung cancer. Last evaluated: 2025-10-29. Review status: criteria provided, single submitter. Criteria: Invitae Variant Classification Sherloc (09022015). Collection method: clinical testing. Allele origin: germline.
Comment: This sequence change replaces glutamic acid, which is acidic and polar, with lysine, which is basic and polar, at codon 602 of the EGFR protein (p.Glu602Lys). This variant is not present in population databases (gnomAD no frequency). This missense change has been observed in individual(s) with colon cancer (PMID: 33874989). ClinVar contains an entry for this variant (Variation ID: 2895676). Invitae Evidence Modeling of protein sequence and biophysical properties (such as structural, functional, and spatial information, amino acid conservation, physicochemical variation, residue mobility, and thermodynamic stability) indicates that this missense variant is not expected to disrupt EGFR protein function with a negative predictive value of 80%. In summary, the available evidence is currently insufficient to determine the role of this variant in disease. Therefore, it has been classified as a Variant of Uncertain Significance.

Literature cited by the submitters: PubMed 33874989.

NM_005228.5(EGFR):c.1804G>A (p.Glu602Lys)

Gene: EGFR (epidermal growth factor receptor; plus strand). Cytogenetic location: 7p11.2.
Variant type: single nucleotide variant.
Coding change: c.1804G>A on transcript NM_005228.5 (MANE Select); coding-DNA position 1804, G replaced by A.
Protein change: p.Glu602Lys; replaces glutamic acid 602 with lysine.
Molecular consequence: missense variant.
Genome position (GRCh38, 1-based): chr7:55,165,361, G>A. VCF-style: chr7-55165361-G-A. GRCh37 (hg19) VCF-style: chr7-55233054-G-A.
Other names: c.1669G>A, p.Glu557Lys (NM_001346899.2, NM_001346897.2); c.1645G>A, p.Glu549Lys (NM_001346900.2); c.1003G>A, p.Glu335Lys (NM_001346941.2); c.1804G>A, p.Glu602Lys (NM_001346898.2, NM_201282.2, NM_201284.2); short protein forms E557K, E335K, E549K, E602K.
Identifiers: ClinVar variation 2895676 (VCV002895676.3), dbSNP rs2535573310, ClinGen allele CA367580888.